The following is an entry in ClinVar:

ClinVar aggregate classification (germline): Likely pathogenic (1 of 4 stars; one submission).

Conditions:
Intellectual developmental disorder, X-linked, syndromic, with pigmentary mosaicism and coarse facies. Identifiers: MedGen C5561930, MONDO:0859080, OMIM 301066.

Submission:

3billion
Classification: Likely pathogenic for Intellectual developmental disorder, X-linked, syndromic, with pigmentary mosaicism and coarse facies. Last evaluated: 2021-10-25. Review status: criteria provided, single submitter. Criteria: ACMG Guidelines, 2015. Collection method: clinical testing. Allele origin: de novo. Affected: yes. Observed: 1 heterozygote.
Comment: This variant is not observed in the gnomAD v2.1.1 dataset ( PM2). It is located in a mutational hot spot and/or well-established functional domain in which established pathogenic variants have been reported (PM1). A different missense change at the same codon has been reported as pathogenic (PMID: 32409512, PM5). n silico tool predictions suggest damaging effect of the variant on gene or gene product (REVEL: 0.625, PP3). Therefore, this variant is classified as likely pathogenic according to the recommendation of ACMG/AMP guideline.

NM_006521.6(TFE3):c.569A>G (p.His190Arg)

Gene: TFE3 (transcription factor binding to IGHM enhancer 3; minus strand). Cytogenetic location: Xp11.23.
Variant type: single nucleotide variant.
Coding change: c.569A>G on transcript NM_006521.6 (MANE Select); coding-DNA position 569, A replaced by G.
Protein change: p.His190Arg; replaces histidine 190 with arginine.
Molecular consequence: missense variant.
Genome position (GRCh38, 1-based): chrX:49,038,408, T>C on the plus strand (A>G on the coding strand, the complement: TFE3 is on the minus strand). VCF-style: chrX-49038408-T-C. GRCh37 (hg19) VCF-style: chrX-48895933-T-C.
Other names: c.254A>G, p.His85Arg (NM_001282142.2); short protein forms H190R, H85R.
Identifiers: ClinVar variation 1320027 (VCV001320027.1), dbSNP rs2147776445, ClinGen allele CA412910811.
Genomic context (GRCh38, chrX:49,038,408, plus strand): 5'-TTGGGCCCGAGTGTGGTGGACAGGTACTGTTTCACCTGCTGCCGGCGCGCCTGCTGCAGG[T>C]GGTAGCGCGTTGGGTTCTCCAGATGGGTCTGCACCTGTGAAATAAGGTAGACAAGGAAAG-3'
Protein context (NP_006512.2, residues 180-200): QTHLENPTRY[His190Arg]LQQARRQQVK